The following is an entry in ClinVar:

NM_014339.7(IL17RA):c.1180G>A (p.Val394Met)

Gene: IL17RA (interleukin 17 receptor A; plus strand). Cytogenetic location: 22q11.1.
Variant type: single nucleotide variant.
Coding change: c.1180G>A on transcript NM_014339.7 (MANE Select); coding-DNA position 1180, G replaced by A.
Protein change: p.Val394Met; replaces valine 394 with methionine.
Molecular consequence: missense variant.
Genome position (GRCh38, 1-based): chr22:17,108,399, G>A. VCF-style: chr22-17108399-G-A. GRCh37 (hg19) VCF-style: chr22-17589289-G-A.
Other names: c.1078G>A, p.Val360Met (NM_001289905.2); short protein forms V394M, V360M.
Identifiers: ClinVar variation 1394150 (VCV001394150.8), dbSNP rs372842141, ClinGen allele CA10086695.
Genomic context (GRCh38, chr22:17,108,399, plus strand): 5'-CCGCTGAAGCCCAGGAAGGTCTGGATCATCTACTCAGCCGACCACCCCCTCTACGTGGAC[G>A]TGGTCCTGAAATTCGCCCAGTTCCTGCTCACCGCCTGCGGCACGGAAGTGGCCCTGGACC-3'
Protein context (NP_055154.3, residues 384-404): YSADHPLYVD[Val394Met]VLKFAQFLLT

ClinVar aggregate classification (germline): Uncertain significance (1 of 4 stars; one submission).

Conditions:
Immunodeficiency 51 (IMD51). Also called: CANDIDIASIS, FAMILIAL, 5. Identifiers: Orphanet 1334, MedGen C4310803, MONDO:0013500, OMIM 613953.

Allele frequency attached by ClinVar (database versions not stated): ExAC 0.00001; gnomAD exomes 0.00001; gnomAD 0.00002; TOPMed 0.00003; ESP Exome Variant Server 0.00008.

Submission:

Labcorp Genetics (formerly Invitae), Labcorp
Classification: Uncertain significance for Immunodeficiency 51. Last evaluated: 2023-12-11. Review status: criteria provided, single submitter. Criteria: Invitae Variant Classification Sherloc (09022015). Collection method: clinical testing. Allele origin: germline.
Comment: This sequence change replaces valine, which is neutral and non-polar, with methionine, which is neutral and non-polar, at codon 394 of the IL17RA protein (p.Val394Met). This variant is present in population databases (rs372842141, gnomAD 0.02%). This variant has not been reported in the literature in individuals affected with IL17RA-related conditions. ClinVar contains an entry for this variant (Variation ID: 1394150). Advanced modeling of protein sequence and biophysical properties (such as structural, functional, and spatial information, amino acid conservation, physicochemical variation, residue mobility, and thermodynamic stability) performed at Invitae indicates that this missense variant is expected to disrupt IL17RA protein function with a positive predictive value of 80%. In summary, the available evidence is currently insufficient to determine the role of this variant in disease. Therefore, it has been classified as a Variant of Uncertain Significance.